The following is an entry in ClinVar:

ClinVar aggregate classification (germline): Likely pathogenic. Review status: criteria provided, single submitter (1 of 4 stars). 2 submissions from 2 submitters: Likely pathogenic (1). 1 of the submissions does not count toward it. Last evaluated 2017-01-12.

Conditions:
Juvenile polyposis syndrome (JPS). Identifiers: Orphanet 2929, MedGen C0345893, MONDO:0017380, OMIM 174900.
Hereditary cancer-predisposing syndrome. Also called: Tumor predisposition; Hereditary neoplastic syndrome; Hereditary Cancer Syndrome; Neoplastic Syndromes, Hereditary. Identifiers: Orphanet 140162, MedGen C0027672, MeSH D009386, MONDO:0015356.

Submissions (2):

Ambry Genetics
Classification: Likely pathogenic for Hereditary cancer-predisposing syndrome. Last evaluated: 2017-01-12. Review status: criteria provided, single submitter. Criteria: Ambry Variant Classification Scheme 2023. Collection method: clinical testing. Allele origin: germline.
Comment: The p.A338D variant (also known as c.1013C>A), located in coding exon 8 of the BMPR1A gene, results from a C to A substitution at nucleotide position 1013. The alanine at codon 338 is replaced by aspartic acid, an amino acid with dissimilar properties. This alteration has been detected in two unrelated individuals with juvenile polyposis syndrome (Howe JR et al. J. Med. Genet. 2004 Jul;41:484-91; Ambry internal data). Functional studies conducted in human embyronic kidney cells showed p.A338D to have drastically reduced signaling as well as aberrant subcellular localization (Zhou XP et al. Am. J. Hum. Genet. 2001 Oct;69:704-11). This amino acid position is highly conserved in available vertebrate species. In addition, this alteration is predicted to be deleterious by in silico analysis. Based on the majority of available evidence to date, this variant is likely to be pathogenic.

OMIM
Classification: Pathogenic for JUVENILE POLYPOSIS SYNDROME. Last evaluated: 2001-10-01. Review status: no assertion criteria provided. Collection method: literature only. Allele origin: germline. Not counted in ClinVar's aggregate classification.

Literature cited by the submitters: PubMed 11536076 (cited by Ambry Genetics and OMIM); PubMed 15235019 (cited by Ambry Genetics); PubMed 23433720 (cited by Ambry Genetics); PubMed 11073535 (cited by OMIM).

NM_004329.3(BMPR1A):c.1013C>A (p.Ala338Asp)

Gene: BMPR1A (bone morphogenetic protein receptor type 1A; plus strand). Cytogenetic location: 10q23.2.
Variant type: single nucleotide variant.
Coding change: c.1013C>A on transcript NM_004329.3 (MANE Select); coding-DNA position 1013, C replaced by A.
Protein change: p.Ala338Asp; replaces alanine 338 with aspartic acid.
Molecular consequence: missense variant.
Genome position (GRCh38, 1-based): chr10:86,919,316, C>A. VCF-style: chr10-86919316-C-A. GRCh37 (hg19) VCF-style: chr10-88679073-C-A.
Other names: short protein forms A338D.
Identifiers: ClinVar variation 8233 (VCV000008233.7), dbSNP rs199476086, ClinGen allele CA254361.